The following is an entry in ClinVar:

NM_032776.3(JMJD1C):c.3974C>T (p.Ser1325Phe)

Gene: JMJD1C (jumonji domain containing 1C; minus strand). Cytogenetic location: 10q21.3.
Variant type: single nucleotide variant.
Coding change: c.3974C>T on transcript NM_032776.3 (MANE Select); coding-DNA position 3974, C replaced by T.
Protein change: p.Ser1325Phe; replaces serine 1325 with phenylalanine.
Molecular consequence: missense variant. On other transcripts: non-coding transcript variant (1).
Genome position (GRCh38, 1-based): chr10:63,207,695, G>A on the plus strand (C>T on the coding strand, the complement: JMJD1C is on the minus strand). VCF-style: chr10-63207695-G-A. GRCh37 (hg19) VCF-style: chr10-64967455-G-A.
Other names: c.3428C>T, p.Ser1143Phe (NM_001282948.2, NM_001318154.2); c.3110C>T, p.Ser1037Phe (NM_001318153.2); c.3860C>T, p.Ser1287Phe (NM_001322252.2); c.3317C>T, p.Ser1106Phe (NM_001322254.2, NM_001322258.2); short protein forms S1037F, S1106F, S1143F, S1287F, S1325F.
Identifiers: ClinVar variation 4804006 (VCV004804006.1).

ClinVar aggregate classification (germline): Uncertain significance (1 of 4 stars; one submission).

Conditions:
Early Myoclonic Encephalopathy. Identifiers: MedGen C0270855.

gnomAD v4.1: 6 of 1,614,126 alleles (0.00037%); highest among the groups gnomAD compares: Admixed American, 0.0017%; no homozygotes.

Submission:

Labcorp Genetics (formerly Invitae), Labcorp
Classification: Uncertain significance for Early Myoclonic Encephalopathy. Last evaluated: 2025-04-09. Review status: criteria provided, single submitter. Criteria: Invitae Variant Classification Sherloc (09022015). Collection method: clinical testing. Allele origin: germline.
Comment: This sequence change replaces serine, which is neutral and polar, with phenylalanine, which is neutral and non-polar, at codon 1325 of the JMJD1C protein (p.Ser1325Phe). This variant is present in population databases (rs575706783, gnomAD 0.0009%). This variant has not been reported in the literature in individuals affected with JMJD1C-related conditions. Invitae Evidence Modeling of protein sequence and biophysical properties (such as structural, functional, and spatial information, amino acid conservation, physicochemical variation, residue mobility, and thermodynamic stability) indicates that this missense variant is not expected to disrupt JMJD1C protein function with a negative predictive value of 80%. In summary, the available evidence is currently insufficient to determine the role of this variant in disease. Therefore, it has been classified as a Variant of Uncertain Significance.